The following is an entry in ClinVar:

ClinVar aggregate classification (germline): Uncertain significance. Review status: criteria provided, multiple submitters, no conflicts (2 of 4 stars). 2 submissions from 2 submitters: Uncertain significance (2). Last evaluated 2025-01-07.

Conditions:
Ehlers-Danlos syndrome, classic type, 1 (EDSCL1). Also called: EHLERS-DANLOS SYNDROME, GRAVIS TYPE; EHLERS-DANLOS SYNDROME, SEVERE CLASSIC TYPE; Ehlers-Danlos syndrome, type 1; EDS I; Ehlers-Danlos Syndrome, Classic Type, COL5A1-Related. Identifiers: MedGen C0268335, MONDO:0019567, OMIM 130000.

Allele frequency attached by ClinVar (database versions not stated): gnomAD exomes below 0.00001.
gnomAD v4.1: 2 of 1,612,760 alleles (0.00012%); highest among the groups gnomAD compares: South Asian, 0.0011%; no homozygotes.

Submissions (2):

GeneDx
Classification: Uncertain significance. Last evaluated: 2025-01-07. Review status: criteria provided, single submitter. Criteria: GeneDx Variant Classification Process June 2021. Collection method: clinical testing. Allele origin: germline. Affected: yes.
Comment: Not observed at significant frequency in large population cohorts (gnomAD); In silico analysis supports that this missense variant has a deleterious effect on protein structure/function; Has not been previously published as pathogenic or benign to our knowledge

Labcorp Genetics (formerly Invitae), Labcorp
Classification: Uncertain significance for Ehlers-Danlos syndrome, classic type, 1. Last evaluated: 2022-03-10. Review status: criteria provided, single submitter. Criteria: Invitae Variant Classification Sherloc (09022015). Collection method: clinical testing. Allele origin: germline.
Comment: This variant has not been reported in the literature in individuals affected with COL5A2-related conditions. This sequence change replaces arginine, which is basic and polar, with glycine, which is neutral and non-polar, at codon 521 of the COL5A2 protein (p.Arg521Gly). This variant is not present in population databases (gnomAD no frequency). Algorithms developed to predict the effect of missense changes on protein structure and function (SIFT, PolyPhen-2, Align-GVGD) all suggest that this variant is likely to be disruptive. In summary, the available evidence is currently insufficient to determine the role of this variant in disease. Therefore, it has been classified as a Variant of Uncertain Significance.

NM_000393.5(COL5A2):c.1561A>G (p.Arg521Gly)

Gene: COL5A2 (collagen type V alpha 2 chain; minus strand). Cytogenetic location: 2q32.2.
Variant type: single nucleotide variant.
Coding change: c.1561A>G on transcript NM_000393.5 (MANE Select); coding-DNA position 1561, A replaced by G.
Protein change: p.Arg521Gly; replaces arginine 521 with glycine.
Molecular consequence: missense variant.
Genome position (GRCh38, 1-based): chr2:189,066,392, T>C on the plus strand (A>G on the coding strand, the complement: COL5A2 is on the minus strand). VCF-style: chr2-189066392-T-C. GRCh37 (hg19) VCF-style: chr2-189931118-T-C.
Other names: c.1561A>G (NM_000393.3); short protein forms R521G.
Identifiers: ClinVar variation 2108329 (VCV002108329.5), dbSNP rs2469306067, ClinGen allele CA349851097.
Genomic context (GRCh38, chr2:189,066,392, plus strand): 5'-GACTTACACACATAATTCCCTCACAACTGTAAGAATGTGTTGTATTATTTAAATTTACCC[T>C]TTCTCCCACTGGCCCTGGAGGACCAACTGTTCCTGGGTCACCTCTGGGACCTCTTTTGCC-3'
Protein context (NP_000384.2, residues 511-531): TVGPPGPVGE[Arg521Gly]GAPGNRGFPG